The following is an entry in ClinVar:

ClinVar aggregate classification (germline): Uncertain significance. Review status: criteria provided, multiple submitters, no conflicts (2 of 4 stars). 2 submissions from 2 submitters: Uncertain significance (2). Last evaluated 2024-12-10.

Conditions:
Inborn genetic diseases. Identifiers: MedGen C0950123, MeSH D030342.

Allele frequency attached by ClinVar (database versions not stated): ExAC 0.00001; gnomAD exomes 0.00001; TOPMed 0.00002; gnomAD 0.00003.
gnomAD v4.1: 23 of 1,506,042 alleles (0.0015%); highest among the groups gnomAD compares: Middle Eastern, 0.017%; no homozygotes.

Submissions (2):

Ambry Genetics
Classification: Uncertain significance for Inborn genetic diseases. Last evaluated: 2024-12-10. Review status: criteria provided, single submitter. Criteria: Ambry Variant Classification Scheme 2023. Collection method: clinical testing. Allele origin: germline.

Labcorp Genetics (formerly Invitae), Labcorp
Classification: Uncertain significance. Last evaluated: 2022-08-16. Review status: criteria provided, single submitter. Criteria: Invitae Variant Classification Sherloc (09022015). Collection method: clinical testing. Allele origin: germline.
Comment: This sequence change replaces glutamic acid, which is acidic and polar, with aspartic acid, which is acidic and polar, at codon 314 of the PDE6C protein (p.Glu314Asp). This variant is present in population databases (rs764343834, gnomAD 0.003%). This variant has not been reported in the literature in individuals affected with PDE6C-related conditions. ClinVar contains an entry for this variant (Variation ID: 1001587). Algorithms developed to predict the effect of missense changes on protein structure and function are either unavailable or do not agree on the potential impact of this missense change (SIFT: "Tolerated"; PolyPhen-2: "Possibly Damaging"; Align-GVGD: "Class C0"). In summary, the available evidence is currently insufficient to determine the role of this variant in disease. Therefore, it has been classified as a Variant of Uncertain Significance.

NM_006204.4(PDE6C):c.942A>C (p.Glu314Asp)

Gene: PDE6C (phosphodiesterase 6C; plus strand). Cytogenetic location: 10q23.33.
Variant type: single nucleotide variant.
Coding change: c.942A>C on transcript NM_006204.4 (MANE Select); coding-DNA position 942, A replaced by C.
Protein change: p.Glu314Asp; replaces glutamic acid 314 with aspartic acid.
Molecular consequence: missense variant.
Genome position (GRCh38, 1-based): chr10:93,626,642, A>C. VCF-style: chr10-93626642-A-C. GRCh37 (hg19) VCF-style: chr10-95386399-A-C.
Other names: c.942A>C (NM_006204.3); short protein forms E314D.
Identifiers: ClinVar variation 1001587 (VCV001001587.7), dbSNP rs764343834, ClinGen allele CA5609999.